The following is an entry in ClinVar:

ClinVar aggregate classification (germline): Pathogenic. Review status: criteria provided, multiple submitters, no conflicts (2 of 4 stars). 6 submissions from 6 submitters: Pathogenic (6). Last evaluated 2025-07-31.

Conditions:
Retinitis pigmentosa 40 (RP40). Identifiers: Orphanet 791, MedGen C3151107, MONDO:0013429, OMIM 613801.
PDE6B-related disorder. Also called: PDE6B-related disease; PDE6B-related condition; PDE6B-related disorders.
Retinal dystrophy. Also called: Inherited retinal dystrophy. Identifiers: Orphanet 71862, MedGen C0854723, MeSH D058499, MONDO:0019118, HP:0000556.
Congenital stationary night blindness autosomal dominant 2. Also called: NIGHT BLINDNESS, CONGENITAL STATIONARY, RAMBUSCH TYPE. Identifiers: Orphanet 215, MedGen C1876182, MONDO:0008099, OMIM 163500.
Retinitis pigmentosa (RP). Identifiers: Orphanet 791, MedGen C0035334, MeSH D012174, MONDO:0019200, OMIM 268000. Inheritance: Autosomal dominant, autosomal recessive and X linked inheritance.

Allele frequency attached by ClinVar (database versions not stated): gnomAD exomes 0.00002 and 0.00003; ExAC 0.00003; gnomAD 0.00003; TOPMed 0.00003; ESP Exome Variant Server 0.00008.
gnomAD v4.1: 50 of 1,612,120 alleles (0.0031%); highest among the groups gnomAD compares: African/African-American, 0.0053%; no homozygotes.

Submissions (6):

Labcorp Genetics (formerly Invitae), Labcorp
Classification: Pathogenic. Last evaluated: 2025-07-31. Review status: criteria provided, single submitter. Criteria: Invitae Variant Classification Sherloc (09022015). Collection method: clinical testing. Allele origin: germline.
Comment: This sequence change creates a premature translational stop signal (p.Gln652*) in the PDE6B gene. It is expected to result in an absent or disrupted protein product. Loss-of-function variants in PDE6B are known to be pathogenic (PMID: 8394174, 8595886, 22334370). This variant is present in population databases (rs373037737, gnomAD 0.01%). This premature translational stop signal has been observed in individual(s) with autosomal recessive retinal degeneration (PMID: 28130426). In at least one individual the data is consistent with being in trans (on the opposite chromosome) from a pathogenic variant. ClinVar contains an entry for this variant (Variation ID: 866296). For these reasons, this variant has been classified as Pathogenic.

Dept Of Ophthalmology, Nagoya University
Classification: Pathogenic for Retinal dystrophy. Last evaluated: 2023-10-01. Review status: criteria provided, single submitter. Criteria: Submitter's publication. Collection method: research. Allele origin: germline. Affected: yes.

Blueprint Genetics
Classification: Pathogenic for PDE6B-related disorders. Last evaluated: 2022-10-07. Review status: criteria provided, single submitter. Criteria: ACMG Guidelines, 2015. Collection method: clinical testing. Allele origin: germline. Affected: yes. Observed: 5 variant alleles.

Fulgent Genetics
Classification: Pathogenic for Congenital stationary night blindness autosomal dominant 2; Retinitis pigmentosa 40. Last evaluated: 2021-10-30. Review status: criteria provided, single submitter. Criteria: ACMG Guidelines, 2015. Collection method: clinical testing. Allele origin: unknown.

Ocular Genomics Institute, Massachusetts Eye and Ear
Classification: Pathogenic for Retinitis pigmentosa 40. Last evaluated: 2021-04-08. Review status: criteria provided, single submitter. Criteria: ACMG Guidelines, 2015. Collection method: research. Allele origin: germline. Affected: yes.
Comment: Through a review of available evidence we were able to apply the following criteria: PVS1, PP1-M, PM2, PM3. Based on this evidence we have classified this variant as Pathogenic.

Broad Center for Mendelian Genomics, Broad Institute of MIT and Harvard
Classification: Pathogenic for Retinitis pigmentosa. Last evaluated: 2021-04-01. Review status: criteria provided, single submitter. Criteria: ACMG Guidelines, 2015. Collection method: curation. Allele origin: germline. Inheritance: Autosomal recessive inheritance. Affected: yes.
Comment: Through a review of available evidence we were able to apply the following criteria: PVS1, PP1-M, PM2, PM3. Based on this evidence we have classified this variant as Pathogenic. If you have any questions about the classification please reach out to the Pierce Lab.

Literature cited by the submitters: PubMed 8394174 (cited by Labcorp Genetics (formerly Invitae), Labcorp); PubMed 8595886 (cited by Labcorp Genetics (formerly Invitae), Labcorp); PubMed 22334370 (cited by Labcorp Genetics (formerly Invitae), Labcorp); PubMed 28130426 (cited by 3 submitters); PubMed 34906470 (cited by Broad Center for Mendelian Genomics, Broad Institute of MIT and Harvard).

NM_000283.4(PDE6B):c.1954C>T (p.Gln652Ter)

Gene: PDE6B (phosphodiesterase 6B; plus strand). Cytogenetic location: 4p16.3.
Variant type: single nucleotide variant.
Coding change: c.1954C>T on transcript NM_000283.4 (MANE Select); coding-DNA position 1954, C replaced by T.
Protein change: p.Gln652Ter; replaces glutamine 652 with a stop codon.
Molecular consequence: nonsense.
Genome position (GRCh38, 1-based): chr4:663,803, C>T. VCF-style: chr4-663803-C-T. GRCh37 (hg19) VCF-style: chr4-657592-C-T.
Other names: c.1954C>T, p.Gln652Ter (NM_001145291.2); c.1117C>T, p.Gln373Ter (NM_001145292.2, NM_001350154.3, NM_001379246.1 and 1 more transcripts); c.799C>T, p.Gln267Ter (NM_001350155.3); short protein forms Q652*, Q267*, Q373*.
Identifiers: ClinVar variation 866296 (VCV000866296.14), dbSNP rs373037737, ClinGen allele CA2794791.